The following is an entry in ClinVar:

NM_001243133.2(NLRP3):c.502C>T (p.Arg168Ter)

Gene: NLRP3 (NLR family pyrin domain containing 3; plus strand). Cytogenetic location: 1q44.
Variant type: single nucleotide variant.
Coding change: c.502C>T on transcript NM_001243133.2 (MANE Select); coding-DNA position 502, C replaced by T.
Protein change: p.Arg168Ter; replaces arginine 168 with a stop codon.
Molecular consequence: nonsense.
Genome position (GRCh38, 1-based): chr1:247,423,951, C>T. VCF-style: chr1-247423951-C-T. GRCh37 (hg19) VCF-style: chr1-247587253-C-T.
Other names: c.502C>T, p.Arg168Ter (NM_001079821.3, NM_001127461.3, NM_001127462.3 and 1 more transcripts); c.508C>T, p.Arg170Ter (NM_004895.5); short protein forms R170*, R168*.
Identifiers: ClinVar variation 598307 (VCV000598307.9), dbSNP rs746159202, ClinGen allele CA1494879.

ClinVar aggregate classification (germline): Uncertain significance. Review status: criteria provided, multiple submitters, no conflicts (2 of 4 stars). 2 submissions from 2 submitters: Uncertain significance (2). Last evaluated 2024-11-25.

Conditions:
Cryopyrin associated periodic syndrome (CAPS). Identifiers: Orphanet 208650, MedGen C2316212, MONDO:0016168.

Allele frequency attached by ClinVar (database versions not stated): gnomAD exomes 0.00001 and 0.00002; TOPMed 0.00001; ExAC 0.00002; gnomAD 0.00003.
gnomAD v4.1: 16 of 1,613,812 alleles (0.00099%); highest among the groups gnomAD compares: Admixed American, 0.0067%; no homozygotes.

Submissions (2):

Labcorp Genetics (formerly Invitae), Labcorp
Classification: Uncertain significance for Cryopyrin associated periodic syndrome. Last evaluated: 2024-11-25. Review status: criteria provided, single submitter. Criteria: Invitae Variant Classification Sherloc (09022015). Collection method: clinical testing. Allele origin: germline.
Comment: This sequence change creates a premature translational stop signal (p.Arg170*) in the NLRP3 gene. It is expected to result in an absent or disrupted protein product. However, the current clinical and genetic evidence is not sufficient to establish whether loss-of-function variants in NLRP3 cause disease. This variant is present in population databases (rs746159202, gnomAD 0.009%). This variant has not been reported in the literature in individuals affected with NLRP3-related conditions. ClinVar contains an entry for this variant (Variation ID: 598307). In summary, the available evidence is currently insufficient to determine the role of this variant in disease. Therefore, it has been classified as a Variant of Uncertain Significance.

Eurofins Ntd Llc (ga)
Classification: Uncertain significance. Last evaluated: 2018-08-07. Review status: criteria provided, single submitter. Criteria: EGL ClinVar v180209 classification definitions. Collection method: clinical testing. Allele origin: germline. Observed: 1 variant allele, 1 heterozygote.